The following is an entry in ClinVar:

ClinVar aggregate classification (germline): Uncertain significance. Review status: criteria provided, multiple submitters, no conflicts (2 of 4 stars). 4 submissions from 4 submitters: Uncertain significance (3). 1 of the submissions does not count toward it. Last evaluated 2022-12-19.

Conditions:
IFT172-related disorder. Also called: IFT172-related condition; IFT172-related disorders.
Retinitis pigmentosa 71 (RP71). Identifiers: Orphanet 791, MedGen C4225342, MONDO:0014618, OMIM 616394.
Short-rib thoracic dysplasia 10 with or without polydactyly (SRTD10). Identifiers: Orphanet 474, MedGen C3810175, MONDO:0014284, OMIM 615630.
Inborn genetic diseases. Identifiers: MedGen C0950123, MeSH D030342.

Allele frequency attached by ClinVar (database versions not stated): gnomAD exomes 0.00001; ExAC 0.00002; TOPMed 0.00002; gnomAD 0.00003.

Submissions (4):

Ambry Genetics
Classification: Uncertain significance for Inborn genetic diseases. Last evaluated: 2022-12-19. Review status: criteria provided, single submitter. Criteria: Ambry Variant Classification Scheme 2023. Collection method: clinical testing. Allele origin: germline.

Blueprint Genetics
Classification: Uncertain significance. Last evaluated: 2022-01-27. Review status: criteria provided, single submitter. Criteria: ACMG Guidelines, 2015. Collection method: clinical testing. Allele origin: germline.

Labcorp Genetics (formerly Invitae), Labcorp
Classification: Uncertain significance for Retinitis pigmentosa 71; Short-rib thoracic dysplasia 10 with or without polydactyly. Last evaluated: 2019-10-07. Review status: criteria provided, single submitter. Criteria: Invitae Variant Classification Sherloc (09022015). Collection method: clinical testing. Allele origin: germline.
Comment: In summary, the available evidence is currently insufficient to determine the role of this variant in disease. Therefore, it has been classified as a Variant of Uncertain Significance. Algorithms developed to predict the effect of missense changes on protein structure and function are either unavailable or do not agree on the potential impact of this missense change (SIFT: "Tolerated"; PolyPhen-2: "Possibly Damaging"; Align-GVGD: "Class C0"). This variant has not been reported in the literature in individuals with IFT172-related conditions. This variant is present in population databases (rs748358110, ExAC 0.003%). This sequence change replaces histidine with proline at codon 958 of the IFT172 protein (p.His958Pro). The histidine residue is moderately conserved and there is a moderate physicochemical difference between histidine and proline.

PreventionGenetics, part of Exact Sciences
Classification: Uncertain significance for IFT172-related condition. Last evaluated: 2024-04-16. Review status: no assertion criteria provided. Collection method: clinical testing. Allele origin: germline. Not counted in ClinVar's aggregate classification.
Comment: The IFT172 c.2873A>C variant is predicted to result in the amino acid substitution p.His958Pro. To our knowledge, this variant has not been reported in the literature. This variant is reported in 0.0031% of alleles in individuals of European (Non-Finnish) descent in gnomAD. At this time, the clinical significance of this variant is uncertain due to the absence of conclusive functional and genetic evidence.

NM_015662.3(IFT172):c.2873A>C (p.His958Pro)

Gene: IFT172 (intraflagellar transport 172; minus strand). Cytogenetic location: 2p23.3.
Variant type: single nucleotide variant.
Coding change: c.2873A>C on transcript NM_015662.3 (MANE Select); coding-DNA position 2873, A replaced by C.
Protein change: p.His958Pro; replaces histidine 958 with proline.
Molecular consequence: missense variant.
Genome position (GRCh38, 1-based): chr2:27,458,783, T>G on the plus strand (A>C on the coding strand, the complement: IFT172 is on the minus strand). VCF-style: chr2-27458783-T-G. GRCh37 (hg19) VCF-style: chr2-27681650-T-G.
Other names: c.2873A>C (NM_015662.1); short protein forms H958P.
Identifiers: ClinVar variation 969005 (VCV000969005.13), dbSNP rs748358110, ClinGen allele CA1580165.